The following is an entry in ClinVar:

NM_001031679.3(MSRB3):c.-118C>G

Gene: MSRB3 (methionine sulfoxide reductase B3; plus strand). Cytogenetic location: 12q14.3.
Variant type: single nucleotide variant.
Coding change: c.-118C>G on transcript NM_001031679.3 (MANE Select); 118 bases upstream of the start codon, C replaced by G.
Molecular consequence: 5 prime UTR variant. On other transcripts: missense variant (1).
Genome position (GRCh38, 1-based): chr12:65,278,799, C>G. VCF-style: chr12-65278799-C-G. GRCh37 (hg19) VCF-style: chr12-65672579-C-G.
Other names: c.-282C>G (NM_001193460.2); c.31C>G, p.Leu11Val (NM_198080.4); c.31C>G (NM_198080.3); short protein forms L11V.
Identifiers: ClinVar variation 1910577 (VCV001910577.4), dbSNP rs200778091, ClinGen allele CA238919234.

ClinVar aggregate classification (germline): Uncertain significance. Review status: criteria provided, multiple submitters, no conflicts (2 of 4 stars). 3 submissions from 3 submitters: Uncertain significance (3). Last evaluated 2024-11-13.

Conditions:
Inborn genetic diseases. Identifiers: MedGen C0950123, MeSH D030342.

gnomAD v4.1: 20 of 1,571,640 alleles (0.0013%); highest among the groups gnomAD compares: East Asian, 0.0024%; no homozygotes.

Submissions (3):

GeneDx
Classification: Uncertain significance. Last evaluated: 2024-11-13. Review status: criteria provided, single submitter. Criteria: GeneDx Variant Classification Process June 2021. Collection method: clinical testing. Allele origin: germline. Affected: yes.
Comment: Not observed at significant frequency in large population cohorts (gnomAD); In silico analysis indicates that this missense variant does not alter protein structure/function; Has not been previously published as pathogenic or benign to our knowledge

Ambry Genetics
Classification: Uncertain significance for Inborn genetic diseases. Last evaluated: 2024-01-04. Review status: criteria provided, single submitter. Criteria: Ambry Variant Classification Scheme 2023. Collection method: clinical testing. Allele origin: germline.

Labcorp Genetics (formerly Invitae), Labcorp
Classification: Uncertain significance. Last evaluated: 2022-03-27. Review status: criteria provided, single submitter. Criteria: Invitae Variant Classification Sherloc (09022015). Collection method: clinical testing. Allele origin: germline.
Comment: This sequence change replaces leucine, which is neutral and non-polar, with valine, which is neutral and non-polar, at codon 11 of the MSRB3 protein (p.Leu11Val). This variant is present in population databases (no rsID available, gnomAD 0.007%). This variant has not been reported in the literature in individuals affected with MSRB3-related conditions. Algorithms developed to predict the effect of missense changes on protein structure and function (SIFT, PolyPhen-2, Align-GVGD) all suggest that this variant is likely to be tolerated. In summary, the available evidence is currently insufficient to determine the role of this variant in disease. Therefore, it has been classified as a Variant of Uncertain Significance.